The following is an entry in ClinVar:

NM_004104.5(FASN):c.2536G>A (p.Ala846Thr)

Gene: FASN (fatty acid synthase; minus strand). Cytogenetic location: 17q25.3.
Variant type: single nucleotide variant.
Coding change: c.2536G>A on transcript NM_004104.5 (MANE Select); coding-DNA position 2536, G replaced by A.
Protein change: p.Ala846Thr; replaces alanine 846 with threonine.
Molecular consequence: missense variant.
Genome position (GRCh38, 1-based): chr17:82,088,447, C>T on the plus strand (G>A on the coding strand, the complement: FASN is on the minus strand). VCF-style: chr17-82088447-C-T. GRCh37 (hg19) VCF-style: chr17-80046323-C-T.
Other names: short protein forms A846T.
Identifiers: ClinVar variation 2752763 (VCV002752763.3), dbSNP rs1483230017, ClinGen allele CA401557261.

ClinVar aggregate classification (germline): Uncertain significance (1 of 4 stars; one submission).

Conditions:
Epileptic encephalopathy. Identifiers: MedGen C0543888, HP:0200134.

Allele frequency attached by ClinVar (database versions not stated): gnomAD exomes 0.00001.
gnomAD v4.1: 5 of 1,611,690 alleles (0.00031%); highest among the groups gnomAD compares: East Asian, 0.0089%; no homozygotes.

Submission:

Labcorp Genetics (formerly Invitae), Labcorp
Classification: Uncertain significance for Epileptic encephalopathy. Last evaluated: 2023-05-31. Review status: criteria provided, single submitter. Criteria: Invitae Variant Classification Sherloc (09022015). Collection method: clinical testing. Allele origin: germline.
Comment: This variant is not present in population databases (gnomAD no frequency). This sequence change replaces alanine, which is neutral and non-polar, with threonine, which is neutral and polar, at codon 846 of the FASN protein (p.Ala846Thr). This variant has not been reported in the literature in individuals affected with FASN-related conditions. In summary, the available evidence is currently insufficient to determine the role of this variant in disease. Therefore, it has been classified as a Variant of Uncertain Significance. Algorithms developed to predict the effect of missense changes on protein structure and function output the following: SIFT: "Not Available"; PolyPhen-2: "Benign"; Align-GVGD: "Not Available". The threonine amino acid residue is found in multiple mammalian species, which suggests that this missense change does not adversely affect protein function.